The following is an entry in ClinVar:

NM_001365951.3(KIF1B):c.1870A>G (p.Ile624Val)

Gene: KIF1B (kinesin family member 1B; plus strand). Cytogenetic location: 1p36.22.
Variant type: single nucleotide variant.
Coding change: c.1870A>G on transcript NM_001365951.3 (MANE Select); coding-DNA position 1870, A replaced by G.
Protein change: p.Ile624Val; replaces isoleucine 624 with valine.
Molecular consequence: missense variant.
Genome position (GRCh38, 1-based): chr1:10,296,905, A>G. VCF-style: chr1-10296905-A-G. GRCh37 (hg19) VCF-style: chr1-10356963-A-G.
Other names: c.1870A>G, p.Ile624Val (NM_001365952.1); c.1732A>G, p.Ile578Val (NM_001365953.1, NM_015074.3, NM_183416.4); short protein forms I624V, I578V.
Identifiers: ClinVar variation 1779012 (VCV001779012.2), dbSNP rs1422541014, ClinGen allele CA338316498.

ClinVar aggregate classification (germline): Uncertain significance (1 of 4 stars; one submission).

Allele frequency attached by ClinVar (database versions not stated): gnomAD exomes below 0.00001.
gnomAD v4.1: 1 of 1,614,044 alleles (0.000062%); highest among the groups gnomAD compares: South Asian, 0.0011%; no homozygotes.

Submission:

Ambry Genetics
Classification: Uncertain significance. Last evaluated: 2022-04-03. Review status: criteria provided, single submitter. Criteria: Ambry Variant Classification Scheme 2023. Collection method: clinical testing. Allele origin: germline.
Comment: The p.I578V variant (also known as c.1732A>G), located in coding exon 18 of the KIF1B gene, results from an A to G substitution at nucleotide position 1732. The isoleucine at codon 578 is replaced by valine, an amino acid with highly similar properties. This amino acid position is conserved. In addition, the in silico prediction for this alteration is inconclusive. Since supporting evidence is limited at this time, the clinical significance of this alteration remains unclear.